The following is an entry in ClinVar:

NM_024996.7(GFM1):c.857del (p.Ala286fs)

Gene: GFM1 (G elongation factor mitochondrial 1; plus strand). Cytogenetic location: 3q25.32.
Variant type: Deletion.
Coding change: c.857del on transcript NM_024996.7 (MANE Select); coding-DNA position 857, one base deleted (C; older notation c.857delC).
Protein change: p.Ala286fs; shifts the reading frame from alanine 286.
Molecular consequence: frameshift variant. On other transcripts: non-coding transcript variant (4).
Genome position (GRCh38, 1-based): chr3:158,653,326, C deleted. VCF-style (leftmost placement, unchanged base first): chr3-158653325-GC-G. GRCh37 (hg19) VCF-style: chr3-158371114-GC-G.
Other names: c.914del, p.Ala305fs (NM_001308164.2, NM_001374355.1); c.857del, p.Ala286fs (NM_001308166.2); c.740del, p.Ala247fs (NM_001374356.1); c.632del, p.Ala211fs (NM_001374357.1); c.398del, p.Ala133fs (NM_001374358.1); c.290del, p.Ala97fs (NM_001374359.1, NM_001374360.1); c.173del, p.Ala58fs (NM_001374361.1); short protein forms A58fs, A247fs, A133fs, A211fs, A286fs, A305fs, A97fs.
Identifiers: ClinVar variation 2993019 (VCV002993019.3), dbSNP rs2473965987, ClinGen allele CA2740091045.

ClinVar aggregate classification (germline): Pathogenic (1 of 4 stars; one submission).

Submission:

Labcorp Genetics (formerly Invitae), Labcorp
Classification: Pathogenic. Last evaluated: 2023-01-12. Review status: criteria provided, single submitter. Criteria: Invitae Variant Classification Sherloc (09022015). Collection method: clinical testing. Allele origin: germline.
Comment: For these reasons, this variant has been classified as Pathogenic. This variant has not been reported in the literature in individuals affected with GFM1-related conditions. This variant is not present in population databases (gnomAD no frequency). This sequence change creates a premature translational stop signal (p.Ala286Valfs*3) in the GFM1 gene. It is expected to result in an absent or disrupted protein product. Loss-of-function variants in GFM1 are known to be pathogenic (PMID: 16632485, 17160893).

Literature cited by the submitters: PubMed 16632485; PubMed 17160893.